The following is an entry in ClinVar:

ClinVar aggregate classification (germline): Uncertain significance (1 of 4 stars; one submission).

Conditions:
Hereditary motor and sensory neuropathy, Okinawa type (HMSNO). Also called: HEREDITARY MOTOR AND SENSORY NEUROPATHY, PROXIMAL TYPE. Identifiers: Orphanet 90117, MedGen C1858338, MONDO:0011468, OMIM 604484.
Hereditary spastic paraplegia 57. Also called: Spastic paraplegia 57, autosomal recessive. Identifiers: Orphanet 431329, MedGen C3714897, MONDO:0014295, OMIM 615658.

gnomAD v4.1: 8 of 1,614,130 alleles (0.0005%); highest among the groups gnomAD compares: Non-Finnish European, 0.00068%; no homozygotes.

Submission:

Labcorp Genetics (formerly Invitae), Labcorp
Classification: Uncertain significance for Hereditary motor and sensory neuropathy, Okinawa type; Hereditary spastic paraplegia 57. Last evaluated: 2024-07-01. Review status: criteria provided, single submitter. Criteria: Invitae Variant Classification Sherloc (09022015). Collection method: clinical testing. Allele origin: germline.
Comment: This sequence change replaces serine, which is neutral and polar, with phenylalanine, which is neutral and non-polar, at codon 345 of the TFG protein (p.Ser345Phe). This variant is not present in population databases (gnomAD no frequency). This variant has not been reported in the literature in individuals affected with TFG-related conditions. Advanced modeling of protein sequence and biophysical properties (such as structural, functional, and spatial information, amino acid conservation, physicochemical variation, residue mobility, and thermodynamic stability) performed at Invitae indicates that this missense variant is not expected to disrupt TFG protein function with a negative predictive value of 80%. In summary, the available evidence is currently insufficient to determine the role of this variant in disease. Therefore, it has been classified as a Variant of Uncertain Significance.

NM_006070.6(TFG):c.1034C>T (p.Ser345Phe)

Gene: TFG (trafficking from ER to golgi regulator; plus strand). Cytogenetic location: 3q12.2.
Variant type: single nucleotide variant.
Coding change: c.1034C>T on transcript NM_006070.6 (MANE Select); coding-DNA position 1034, C replaced by T.
Protein change: p.Ser345Phe; replaces serine 345 with phenylalanine.
Molecular consequence: missense variant.
Genome position (GRCh38, 1-based): chr3:100,748,362, C>T. VCF-style: chr3-100748362-C-T. GRCh37 (hg19) VCF-style: chr3-100467206-C-T.
Other names: c.1034C>T, p.Ser345Phe (NM_001007565.2, NM_001195478.2); c.1022C>T, p.Ser341Phe (NM_001195479.2); short protein forms S341F, S345F.
Identifiers: ClinVar variation 3756086 (VCV003756086.2).